The following is an entry in ClinVar:

NM_004990.4(MARS1):c.1809T>A (p.Phe603Leu)

Gene: MARS1 (methionyl-tRNA synthetase 1; plus strand). Cytogenetic location: 12q13.3.
Variant type: single nucleotide variant.
Coding change: c.1809T>A on transcript NM_004990.4 (MANE Select); coding-DNA position 1809, T replaced by A.
Protein change: p.Phe603Leu; replaces phenylalanine 603 with leucine.
Molecular consequence: missense variant.
Genome position (GRCh38, 1-based): chr12:57,512,806, T>A. VCF-style: chr12-57512806-T-A. GRCh37 (hg19) VCF-style: chr12-57906589-T-A.
Other names: short protein forms F603L.
Identifiers: ClinVar variation 1681759 (VCV001681759.8), dbSNP rs2140034972, ClinGen allele CA385462951.

ClinVar aggregate classification (germline): Uncertain significance (1 of 4 stars; one submission).

Conditions:
Severe early-onset pulmonary alveolar proteinosis due to MARS deficiency. Also called: PULMONARY ALVEOLAR PROTEINOSIS, REUNION ISLAND; Interstitial lung and liver disease. Identifiers: Orphanet 440427, MedGen C4225400, MONDO:0014206, OMIM 615486.
Charcot-Marie-Tooth disease axonal type 2U. Also called: CHARCOT-MARIE-TOOTH NEUROPATHY, TYPE 2U; CHARCOT-MARIE-TOOTH DISEASE, AXONAL, AUTOSOMAL DOMINANT, TYPE 2U. Identifiers: Orphanet 397735, MedGen C4084821, MONDO:0014566, OMIM 616280.

Allele frequency attached by ClinVar (database versions not stated): gnomAD exomes below 0.00001.

Submission:

Labcorp Genetics (formerly Invitae), Labcorp
Classification: Uncertain significance for Charcot-Marie-Tooth disease axonal type 2U; Severe early-onset pulmonary alveolar proteinosis due to MARS deficiency. Last evaluated: 2021-06-01. Review status: criteria provided, single submitter. Criteria: Invitae Variant Classification Sherloc (09022015). Collection method: clinical testing. Allele origin: germline.
Comment: In summary, the available evidence is currently insufficient to determine the role of this variant in disease. Therefore, it has been classified as a Variant of Uncertain Significance. Algorithms developed to predict the effect of missense changes on protein structure and function are either unavailable or do not agree on the potential impact of this missense change (SIFT: "Deleterious"; PolyPhen-2: "Probably Damaging"; Align-GVGD: "Class C15"). This sequence change replaces phenylalanine with leucine at codon 603 of the MARS protein (p.Phe603Leu). The phenylalanine residue is highly conserved and there is a small physicochemical difference between phenylalanine and leucine. This variant is not present in population databases (ExAC no frequency). This variant has not been reported in the literature in individuals with MARS-related conditions.